The following is an entry in ClinVar:

NM_015557.3(CHD5):c.3305C>A (p.Ala1102Glu)

Gene: CHD5 (chromodomain helicase DNA binding protein 5; minus strand). Cytogenetic location: 1p36.31.
Variant type: single nucleotide variant.
Coding change: c.3305C>A on transcript NM_015557.3 (MANE Select); coding-DNA position 3305, C replaced by A.
Protein change: p.Ala1102Glu; replaces alanine 1102 with glutamic acid.
Molecular consequence: missense variant.
Genome position (GRCh38, 1-based): chr1:6,130,286, G>T on the plus strand (C>A on the coding strand, the complement: CHD5 is on the minus strand). VCF-style: chr1-6130286-G-T. GRCh37 (hg19) VCF-style: chr1-6190346-G-T.
Other names: short protein forms A1102E.
Identifiers: ClinVar variation 3376984 (VCV003376984.1).

ClinVar aggregate classification (germline): Likely pathogenic (1 of 4 stars; one submission).

Conditions:
Parenti-mignot neurodevelopmental syndrome. Identifiers: MedGen C5676984, MONDO:0859249, OMIM 619873.

Submission:

Victorian Clinical Genetics Services, Murdoch Childrens Research Institute
Classification: Likely pathogenic for Parenti-mignot neurodevelopmental syndrome. Last evaluated: 2024-10-10. Review status: criteria provided, single submitter. Criteria: ACMG Guidelines, 2015. Collection method: clinical testing. Allele origin: germline. Inheritance: Autosomal dominant inheritance. Affected: yes.
Comment: Based on the classification scheme VCGS_Germline_v1.3.5, this variant is classified as Likely pathogenic. Following criteria are met: 0102 - Loss of function is a known mechanism of disease in this gene and is associated with Parenti-Mignot neurodevelopmental syndrome (MIM#619873). (I) 0107 - This gene is associated with autosomal dominant disease. (I) 0112 - The condition associated with this gene has incomplete penetrance, with a single family reported (PMID: 33944996). (I) 0115 - Variants in this gene are known to have variable expressivity. Intra-familial variability has been reported (PMID: 33944996). (I) 0200 - Variant is predicted to result in a missense amino acid change from alanine to glutamic acid. (I) 0251 - This variant is heterozygous. (I) 0301 - Variant is absent from gnomAD (v2, v3 and v4). (SP) 0501 - Missense variant consistently predicted to be damaging by multiple in silico tools or highly conserved with a major amino acid change. (SP) 0603 - Missense variant in a region that is highly intolerant to missense variation (high constraint region in DECIPHER). (SP) 0705 - No comparable missense variants have previous evidence for pathogenicity. (I) 0807 - This variant has no previous evidence of pathogenicity. (I) 0905 - No published segregation evidence has been identified for this variant. (I) 1007 - No published functional evidence has been identified for this variant. (SP) Legend: (SP) - Supporting pathogenic, (I) - Information, (SB) - Supporting benign

Literature cited by the submitters: PubMed 33944996.